The following is an entry in ClinVar:

NM_181783.4(TMTC3):c.2607A>G (p.Lys869=)

Gene: TMTC3 (transmembrane O-mannosyltransferase targeting cadherins 3; plus strand). Cytogenetic location: 12q21.32.
Variant type: single nucleotide variant.
Coding change: c.2607A>G on transcript NM_181783.4 (MANE Select); coding-DNA position 2607, A replaced by G.
Protein change: p.Lys869=; no amino-acid change (lysine 869 retained).
Molecular consequence: synonymous variant. On other transcripts: non-coding transcript variant (1).
Genome position (GRCh38, 1-based): chr12:88,195,511, A>G. VCF-style: chr12-88195511-A-G. GRCh37 (hg19) VCF-style: chr12-88589288-A-G.
Other names: c.2607A>G (NM_181783.3); c.2427A>G, p.Lys809= (NM_001366574.1); c.2388A>G, p.Lys796= (NM_001366579.1); c.2340A>G, p.Lys780= (NM_001366580.1); c.1914A>G, p.Lys638= (NM_001366583.1).
Identifiers: ClinVar variation 1584178 (VCV001584178.10), dbSNP rs772213934, ClinGen allele CA6713500.

ClinVar aggregate classification (germline): Likely benign. Review status: criteria provided, single submitter (1 of 4 stars). 2 submissions from 2 submitters: Likely benign (1). 1 of the submissions does not count toward it. Last evaluated 2025-12-12.

Conditions:
TMTC3-related disorder. Also called: TMTC3-related condition.

Allele frequency attached by ClinVar (database versions not stated): gnomAD 0.00002; TOPMed 0.00005; ExAC 0.00009; gnomAD exomes 0.00011.
gnomAD v4.1: 33 of 1,613,474 alleles (0.002%); highest among the groups gnomAD compares: Admixed American, 0.055%; no homozygotes.

Submissions (2):

Labcorp Genetics (formerly Invitae), Labcorp
Classification: Likely benign. Last evaluated: 2025-12-12. Review status: criteria provided, single submitter. Criteria: Invitae Variant Classification Sherloc (09022015). Collection method: clinical testing. Allele origin: germline.

PreventionGenetics, part of Exact Sciences
Classification: Likely benign for TMTC3-related condition. Last evaluated: 2019-09-26. Review status: no assertion criteria provided. Collection method: clinical testing. Allele origin: germline. Not counted in ClinVar's aggregate classification.
Comment: This variant is classified as likely benign based on ACMG/AMP sequence variant interpretation guidelines (Richards et al. 2015 PMID: 25741868, with internal and published modifications).